The following is an entry in ClinVar:

NM_005219.5(DIAPH1):c.1978G>A (p.Gly660Ser)

Gene: DIAPH1 (diaphanous related formin 1; minus strand). Cytogenetic location: 5q31.3.
Variant type: single nucleotide variant.
Coding change: c.1978G>A on transcript NM_005219.5 (MANE Select); coding-DNA position 1978, G replaced by A.
Protein change: p.Gly660Ser; replaces glycine 660 with serine.
Molecular consequence: missense variant.
Genome position (GRCh38, 1-based): chr5:141,573,872, C>T on the plus strand (G>A on the coding strand, the complement: DIAPH1 is on the minus strand). VCF-style: chr5-141573872-C-T. GRCh37 (hg19) VCF-style: chr5-140953439-C-T.
Other names: c.1951G>A, p.Gly651Ser (NM_001079812.3); c.1978G>A, p.Gly660Ser (NM_001314007.2); short protein forms G660S, G651S.
Identifiers: ClinVar variation 2942944 (VCV002942944.3), dbSNP rs2513740640, ClinGen allele CA361519542.

ClinVar aggregate classification (germline): Uncertain significance (1 of 4 stars; one submission).

Conditions:
Progressive microcephaly-seizures-cortical blindness-developmental delay syndrome. Also called: Seizures, cortical blindness, and microcephaly syndrome. Identifiers: Orphanet 477814, MedGen C5567650, MONDO:0014714, OMIM 616632.
Autosomal dominant nonsyndromic hearing loss 1. Also called: KONIGSMARK SYNDROME; DEAFNESS, AUTOSOMAL DOMINANT 1, WITH OR WITHOUT THROMBOCYTOPENIA. Identifiers: Orphanet 90635, MedGen C1852282, MONDO:0007424, OMIM 124900.

Allele frequency attached by ClinVar (database versions not stated): gnomAD exomes below 0.00001.
gnomAD v4.1: 3 of 1,536,810 alleles (0.0002%); highest among the groups gnomAD compares: Non-Finnish European, 0.00026%; no homozygotes.

Submission:

Labcorp Genetics (formerly Invitae), Labcorp
Classification: Uncertain significance for Progressive microcephaly-seizures-cortical blindness-developmental delay syndrome; Autosomal dominant nonsyndromic hearing loss 1. Last evaluated: 2023-01-05. Review status: criteria provided, single submitter. Criteria: Invitae Variant Classification Sherloc (09022015). Collection method: clinical testing. Allele origin: germline.
Comment: This variant is not present in population databases (gnomAD no frequency). In summary, the available evidence is currently insufficient to determine the role of this variant in disease. Therefore, it has been classified as a Variant of Uncertain Significance. Algorithms developed to predict the effect of missense changes on protein structure and function output the following: SIFT: "Tolerated"; PolyPhen-2: "Not Available"; Align-GVGD: "Class C0". The serine amino acid residue is found in multiple mammalian species, which suggests that this missense change does not adversely affect protein function. This variant has not been reported in the literature in individuals affected with DIAPH1-related conditions. This sequence change replaces glycine, which is neutral and non-polar, with serine, which is neutral and polar, at codon 660 of the DIAPH1 protein (p.Gly660Ser).